The following is an entry in ClinVar:

NM_003560.4(PLA2G6):c.719T>C (p.Leu240Pro)

Gene: PLA2G6 (phospholipase A2 group VI; minus strand). Cytogenetic location: 22q13.1.
Variant type: single nucleotide variant.
Coding change: c.719T>C on transcript NM_003560.4 (MANE Select); coding-DNA position 719, T replaced by C.
Protein change: p.Leu240Pro; replaces leucine 240 with proline.
Molecular consequence: missense variant. On other transcripts: intron variant (1).
Genome position (GRCh38, 1-based): chr22:38,140,060, A>G on the plus strand (T>C on the coding strand, the complement: PLA2G6 is on the minus strand). VCF-style: chr22-38140060-A-G. GRCh37 (hg19) VCF-style: chr22-38536067-A-G.
Other names: NM_001004426.3:c.719T>C; c.719T>C, p.Leu240Pro (NM_001004426.3, NM_001199562.3, NM_001349864.2 and 2 more transcripts); c.185T>C, p.Leu62Pro (NM_001349867.2, NM_001349869.2); c.119+3045T>C (NM_001349868.2); short protein forms L62P, L240P.
Identifiers: ClinVar variation 2412652 (VCV002412652.1), dbSNP rs766760828, ClinGen allele CA10231180.

ClinVar aggregate classification (germline): Uncertain significance (1 of 4 stars; one submission).

Conditions:
PLA2G6-associated neurodegeneration (PLAN). Also called: phospholipase A2-associated neurodegeneration. Identifiers: Orphanet 329303, MedGen CN204472, MONDO:0017998.

Allele frequency attached by ClinVar (database versions not stated): ExAC 0.00001; gnomAD exomes below 0.00001.
gnomAD v4.1: 1 of 1,613,924 alleles (0.000062%); highest among the groups gnomAD compares: South Asian, 0.0011%; no homozygotes.

Submission:

Broad Center for Mendelian Genomics, Broad Institute of MIT and Harvard
Classification: Uncertain significance for PLA2G6-associated neurodegeneration. Last evaluated: 2023-01-24. Review status: criteria provided, single submitter. Criteria: ACMG Guidelines, 2015. Collection method: curation. Allele origin: germline. Inheritance: Autosomal recessive inheritance.
Comment: The p.Leu240Pro variant in PLA2G6 has been reported in 1 individual with PLA2G6-associated neurodegeneration (PMID: 18443314) and has been identified in 0.003% (1/30478) of South Asian chromosomes by the Genome Aggregation Database (gnomAD; dbSNP ID: rs766760828). Although this variant has been seen in the general population in a heterozygous state, its frequency is low enough to be consistent with a recessive carrier frequency. Computational prediction tools and conservation analyses suggest that this variant may impact the protein, though this information is not predictive enough to determine pathogenicity. In summary, the clinical significance of the p.Leu240Pro variant is uncertain. ACMG/AMP Criteria applied: PM2_supporting, PP3 (Richards 2015).